The following is an entry in ClinVar:

NM_001128840.3(CACNA1D):c.2456C>T (p.Pro819Leu)

Gene: CACNA1D (calcium voltage-gated channel subunit alpha1 D; plus strand). Cytogenetic location: 3p21.1.
Variant type: single nucleotide variant.
Coding change: c.2456C>T on transcript NM_001128840.3 (MANE Select); coding-DNA position 2456, C replaced by T.
Protein change: p.Pro819Leu; replaces proline 819 with leucine.
Molecular consequence: missense variant.
Genome position (GRCh38, 1-based): chr3:53,732,065, C>T. VCF-style: chr3-53732065-C-T. GRCh37 (hg19) VCF-style: chr3-53766092-C-T.
Other names: c.2516C>T, p.Pro839Leu (NM_000720.4); c.2456C>T, p.Pro819Leu (NM_001128839.3); c.2516C>T (NM_000720.2); short protein forms P819L, P839L.
Identifiers: ClinVar variation 1494245 (VCV001494245.7), dbSNP rs1471945903, ClinGen allele CA353241161.

ClinVar aggregate classification (germline): Uncertain significance. Review status: criteria provided, multiple submitters, no conflicts (2 of 4 stars). 2 submissions from 2 submitters: Uncertain significance (2). Last evaluated 2026-09-02.

Conditions:
Inborn genetic diseases. Identifiers: MedGen C0950123, MeSH D030342.

Allele frequency attached by ClinVar (database versions not stated): gnomAD 0.00001; gnomAD exomes below 0.00001; TOPMed 0.00002.
gnomAD v4.1: 12 of 1,612,606 alleles (0.00074%); highest among the groups gnomAD compares: African/African-American, 0.0027%; no homozygotes.

Submissions (2):

Ambry Genetics
Classification: Uncertain significance for Inborn genetic diseases. Last evaluated: 2026-09-02. Review status: criteria provided, single submitter. Criteria: Ambry Variant Classification Scheme 2023. Collection method: clinical testing. Allele origin: germline.
Comment: The c.2516C>T (p.P839L) alteration is located in exon 19 (coding exon 19) of the CACNA1D gene. This alteration results from a C to T substitution at nucleotide position 2516, causing the proline (P) at amino acid position 839 to be replaced by a leucine (L). Based on data from gnomAD, the T allele has an overall frequency of <0.001% (1/251452) total alleles studied. The highest observed frequency was 0.001% (1/113740) of European (non-Finnish) alleles. Based on insufficient or conflicting evidence, the clinical significance of this alteration remains unclear.

Labcorp Genetics (formerly Invitae), Labcorp
Classification: Uncertain significance. Last evaluated: 2026-01-11. Review status: criteria provided, single submitter. Criteria: Invitae Variant Classification Sherloc (09022015). Collection method: clinical testing. Allele origin: germline.
Comment: This sequence change replaces proline, which is neutral and non-polar, with leucine, which is neutral and non-polar, at codon 839 of the CACNA1D protein (p.Pro839Leu). The frequency data for this variant in the population databases is considered unreliable, as metrics indicate poor data quality at this position in the gnomAD database. This variant has not been reported in the literature in individuals affected with CACNA1D-related conditions. ClinVar contains an entry for this variant (Variation ID: 1494245). Invitae Evidence Modeling of protein sequence and biophysical properties (such as structural, functional, and spatial information, amino acid conservation, physicochemical variation, residue mobility, and thermodynamic stability) indicates that this missense variant is not expected to disrupt CACNA1D protein function with a negative predictive value of 80%. In summary, the available evidence is currently insufficient to determine the role of this variant in disease. Therefore, it has been classified as a Variant of Uncertain Significance.